The following is an entry in ClinVar:

NM_000093.5(COL5A1):c.2992G>C (p.Val998Leu)

Gene: COL5A1 (collagen type V alpha 1 chain; plus strand). Cytogenetic location: 9q34.3.
Variant type: single nucleotide variant.
Coding change: c.2992G>C on transcript NM_000093.5 (MANE Select); coding-DNA position 2992, G replaced by C.
Protein change: p.Val998Leu; replaces valine 998 with leucine.
Molecular consequence: missense variant.
Genome position (GRCh38, 1-based): chr9:134,801,993, G>C. VCF-style: chr9-134801993-G-C. GRCh37 (hg19) VCF-style: chr9-137693839-G-C.
Other names: c.2992G>C (NM_000093.3); c.2992G>C, p.Val998Leu (NM_001278074.1); short protein forms V998L.
Identifiers: ClinVar variation 1702207 (VCV001702207.5), dbSNP rs776676564, ClinGen allele CA375447734.
Genomic context (GRCh38, chr9:134,801,993, plus strand): 5'-GCAGTGACTCTCTCTTCACAGGGTTTCCAAGGCAAGACCGGCCCTCCAGGCCCCCCCGGC[G>C]TGGTCGGCCCTCAGGTAAGCTCCAGCCTTCCCAGATTCCATGGGTCACTCGGTGTCACTT-3'
Protein context (NP_000084.3, residues 988-1008): GKTGPPGPPG[Val998Leu]VGPQGPTGET

ClinVar aggregate classification (germline): Uncertain significance. Review status: criteria provided, multiple submitters, no conflicts (2 of 4 stars). 3 submissions from 3 submitters: Uncertain significance (3). Last evaluated 2026-04-17.

Conditions:
Ehlers-Danlos syndrome (EDS). Identifiers: Orphanet 98249, MedGen C0013720, MONDO:0020066.
Familial thoracic aortic aneurysm and aortic dissection (TAAD). Also called: Thoracic aortic aneurysms and dissections. Identifiers: Orphanet 91387, MedGen C4707243, MONDO:0019625.

gnomAD v4.1: 2 of 1,613,398 alleles (0.00012%); highest among the groups gnomAD compares: Non-Finnish European, 0.000085%; no homozygotes.

Submissions (3):

Women's Health and Genetics/Laboratory Corporation of America, LabCorp
Classification: Uncertain significance. Last evaluated: 2026-04-17. Review status: criteria provided, single submitter. Criteria: LabCorp Variant Classification Summary - May 2015. Collection method: clinical testing. Allele origin: germline.
Comment: Variant summary: COL5A1 c.2992G>C (p.Val998Leu) results in a conservative amino acid change in the encoded protein sequence. Algorithms developed to predict the effect of missense changes on protein structure and function are either unavailable or do not agree on the potential impact of this missense change. The variant allele was found at a frequency of 4e-06 in 250962 control chromosomes. The available data on variant occurrences in the general population are insufficient to allow any conclusion about variant significance. To our knowledge, no occurrence of c.2992G>C in individuals affected with COL5A1-related conditions and no experimental evidence demonstrating its impact on protein function have been reported. ClinVar contains an entry for this variant (Variation ID: 1702207). Based on the evidence outlined above, the variant was classified as uncertain significance.

Ambry Genetics
Classification: Uncertain significance for Familial thoracic aortic aneurysm and aortic dissection. Last evaluated: 2025-08-07. Review status: criteria provided, single submitter. Criteria: Ambry Variant Classification Scheme 2023. Collection method: clinical testing. Allele origin: germline.
Comment: The p.V998L variant (also known as c.2992G>C), located in coding exon 38 of the COL5A1 gene, results from a G to C substitution at nucleotide position 2992. The valine at codon 998 is replaced by leucine, an amino acid with highly similar properties. This amino acid position is highly conserved in available vertebrate species. In addition, the in silico prediction for this alteration is inconclusive. Based on the available evidence, the clinical significance of this variant remains unclear.

Genome Diagnostics Laboratory, The Hospital for Sick Children
Classification: Uncertain significance for Ehlers-Danlos syndrome. Last evaluated: 2019-11-01. Review status: criteria provided, single submitter. Criteria: ACMG Guidelines, 2015. Collection method: clinical testing. Allele origin: germline.